The following is an entry in ClinVar:

ClinVar aggregate classification (germline): Uncertain significance (1 of 4 stars; one submission).

Submission:

Labcorp Genetics (formerly Invitae), Labcorp
Classification: Uncertain significance. Last evaluated: 2023-12-22. Review status: criteria provided, single submitter. Criteria: Invitae Variant Classification Sherloc (09022015). Collection method: clinical testing. Allele origin: germline.
Comment: This sequence change replaces arginine, which is basic and polar, with lysine, which is basic and polar, at codon 5493 of the HMCN1 protein (p.Arg5493Lys). This variant is not present in population databases (gnomAD no frequency). This variant has not been reported in the literature in individuals affected with HMCN1-related conditions. An algorithm developed to predict the effect of missense changes on protein structure and function (PolyPhen-2) suggests that this variant is likely to be disruptive. In summary, the available evidence is currently insufficient to determine the role of this variant in disease. Therefore, it has been classified as a Variant of Uncertain Significance.

NM_031935.3(HMCN1):c.16478G>A (p.Arg5493Lys)

Genes: HMCN1 (hemicentin 1; plus strand), LOC126805953 (P300/CBP strongly-dependent group 1 enhancer GRCh37_chr1:186156636-186157835; plus strand). Cytogenetic location: 1q31.1.
Variant type: single nucleotide variant.
Coding change: c.16478G>A on transcript NM_031935.3 (MANE Select); coding-DNA position 16478, G replaced by A.
Protein change: p.Arg5493Lys; replaces arginine 5493 with lysine.
Molecular consequence: missense variant.
Genome position (GRCh38, 1-based): chr1:186,187,946, G>A. VCF-style: chr1-186187946-G-A. GRCh37 (hg19) VCF-style: chr1-186157078-G-A.
Other names: short protein forms R5493K.
Identifiers: ClinVar variation 2972999 (VCV002972999.3), dbSNP rs2528299055, ClinGen allele CA343904232.
Genomic context (GRCh38, chr1:186,187,946, plus strand): 5'-TCGATGAATGTCTGGAGCAGAATGTGCACTGTGGACCCAATCGCATGTGCTTCAACATGA[G>A]AGGAAGCTACCAGTGCATCGATACACCCTGTCCACCCAACTACCAACGGGATCCTGTTTC-3'
Protein context (NP_114141.2, residues 5483-5503): CGPNRMCFNM[Arg5493Lys]GSYQCIDTPC